The following is an entry in ClinVar:

ClinVar aggregate classification (germline): Uncertain significance (1 of 4 stars; one submission).

Conditions:
Inborn genetic diseases. Identifiers: MedGen C0950123, MeSH D030342.

Submission:

Ambry Genetics
Classification: Uncertain significance for Inborn genetic diseases. Last evaluated: 2024-12-07. Review status: criteria provided, single submitter. Criteria: Ambry Variant Classification Scheme 2023. Collection method: clinical testing. Allele origin: germline.
Comment: The p.C718Y variant (also known as c.2153G>A), located in coding exon 15 of the LTBP3 gene, results from a G to A substitution at nucleotide position 2153. The cysteine at codon 718 is replaced by tyrosine, an amino acid with highly dissimilar properties. This amino acid position is conserved. In addition, this alteration is predicted to be deleterious by in silico analysis. Based on the available evidence, the clinical significance of this variant remains unclear.

NM_001130144.3(LTBP3):c.2153G>A (p.Cys718Tyr)

Genes: LTBP3 (latent transforming growth factor beta binding protein 3; minus strand), LOC130006030 (ATAC-STARR-seq lymphoblastoid silent region 3533; plus strand). Cytogenetic location: 11q13.1.
Variant type: single nucleotide variant.
Coding change: c.2153G>A on transcript NM_001130144.3 (MANE Select); coding-DNA position 2153, G replaced by A.
Protein change: p.Cys718Tyr; replaces cysteine 718 with tyrosine.
Molecular consequence: missense variant.
Genome position (GRCh38, 1-based): chr11:65,546,875, C>T on the plus strand (G>A on the coding strand, the complement: LTBP3 is on the minus strand). VCF-style: chr11-65546875-C-T. GRCh37 (hg19) VCF-style: chr11-65314346-C-T.
Other names: c.1802G>A, p.Cys601Tyr (NM_001164266.1); c.2153G>A, p.Cys718Tyr (NM_021070.4); short protein forms C718Y, C601Y.
Identifiers: ClinVar variation 3541126 (VCV003541126.1).